The following is an entry in ClinVar:

ClinVar aggregate classification (germline): Uncertain significance (1 of 4 stars; one submission).

Submission:

GeneDx
Classification: Uncertain significance. Last evaluated: 2025-08-15. Review status: criteria provided, single submitter. Criteria: GeneDx Variant Classification Process June 2021. Collection method: clinical testing. Allele origin: germline. Affected: yes.
Comment: Not observed at significant frequency in large population cohorts (gnomAD); In silico analysis supports that this missense variant has a deleterious effect on protein structure/function; Has not been previously published as pathogenic or benign to our knowledge

NM_138927.4(SON):c.5363A>T (p.Asp1788Val)

Gene: SON (SON DNA and RNA binding protein; plus strand). Cytogenetic location: 21q22.11.
Variant type: single nucleotide variant.
Coding change: c.5363A>T on transcript NM_138927.4 (MANE Select); coding-DNA position 5363, A replaced by T.
Protein change: p.Asp1788Val; replaces aspartic acid 1788 with valine.
Molecular consequence: missense variant. On other transcripts: non-coding transcript variant (1), intron variant (1).
Genome position (GRCh38, 1-based): chr21:33,554,594, A>T. VCF-style: chr21-33554594-A-T. GRCh37 (hg19) VCF-style: chr21-34926900-A-T.
Other names: c.5363A>T, p.Asp1788Val (NM_001291411.2, NM_032195.3); c.245-2562A>T (NM_001291412.3); short protein forms D1788V.
Identifiers: ClinVar variation 4795349 (VCV004795349.1).
Genomic context (GRCh38, chr21:33,554,594, plus strand): 5'-CCAGCCCGGTTGTAAGTAGTATGCCAGAAAGAGCTTCAGAGTCTTCTTCAGAGGAAAAAG[A>T]TGATTATGAAATTTTTGTAAAAGTTAAGGACACTCACGAAAAAAGCAAGAAAAATAAGAA-3'
Protein context (NP_620305.3, residues 1778-1798): RASESSSEEK[Asp1788Val]DYEIFVKVKD